The following is an entry in ClinVar:

ClinVar aggregate classification (germline): Uncertain significance. Review status: criteria provided, multiple submitters, no conflicts (2 of 4 stars). 3 submissions from 3 submitters: Uncertain significance (3). Last evaluated 2024-08-14.

Conditions:
Inborn genetic diseases. Identifiers: MedGen C0950123, MeSH D030342.

Allele frequency attached by ClinVar (database versions not stated): gnomAD exomes below 0.00001.
gnomAD v4.1: 2 of 1,613,714 alleles (0.00012%); highest among the groups gnomAD compares: Non-Finnish European, 0.00017%; no homozygotes.

Submissions (3):

Labcorp Genetics (formerly Invitae), Labcorp
Classification: Uncertain significance. Last evaluated: 2024-08-14. Review status: criteria provided, single submitter. Criteria: Invitae Variant Classification Sherloc (09022015). Collection method: clinical testing. Allele origin: germline.
Comment: This sequence change replaces isoleucine, which is neutral and non-polar, with methionine, which is neutral and non-polar, at codon 1162 of the MYH3 protein (p.Ile1162Met). This variant is not present in population databases (gnomAD no frequency). This variant has not been reported in the literature in individuals affected with MYH3-related conditions. ClinVar contains an entry for this variant (Variation ID: 2469314). Invitae Evidence Modeling of protein sequence and biophysical properties (such as structural, functional, and spatial information, amino acid conservation, physicochemical variation, residue mobility, and thermodynamic stability) indicates that this missense variant is not expected to disrupt MYH3 protein function with a negative predictive value of 95%. In summary, the available evidence is currently insufficient to determine the role of this variant in disease. Therefore, it has been classified as a Variant of Uncertain Significance.

Blueprint Genetics
Classification: Uncertain significance. Last evaluated: 2023-07-04. Review status: criteria provided, single submitter. Criteria: ACMG Guidelines, 2015. Collection method: clinical testing. Allele origin: germline.

Ambry Genetics
Classification: Uncertain significance for Inborn genetic diseases. Last evaluated: 2023-02-16. Review status: criteria provided, single submitter. Criteria: Ambry Variant Classification Scheme 2023. Collection method: clinical testing. Allele origin: germline.

NM_002470.4(MYH3):c.3486A>G (p.Ile1162Met)

Gene: MYH3 (myosin heavy chain 3; minus strand). Cytogenetic location: 17p13.1.
Variant type: single nucleotide variant.
Coding change: c.3486A>G on transcript NM_002470.4 (MANE Select); coding-DNA position 3486, A replaced by G.
Protein change: p.Ile1162Met; replaces isoleucine 1162 with methionine.
Molecular consequence: missense variant.
Genome position (GRCh38, 1-based): chr17:10,638,286, T>C on the plus strand (A>G on the coding strand, the complement: MYH3 is on the minus strand). VCF-style: chr17-10638286-T-C. GRCh37 (hg19) VCF-style: chr17-10541603-T-C.
Other names: short protein forms I1162M.
Identifiers: ClinVar variation 2469314 (VCV002469314.5), dbSNP rs2508593295, ClinGen allele CA398151800.